The following is an entry in ClinVar:

NM_001358921.2(COQ2):c.254-50A>T

Gene: COQ2 (coenzyme Q2, polyprenyltransferase; minus strand). Cytogenetic location: 4q21.23.
Variant type: single nucleotide variant.
Coding change: c.254-50A>T on transcript NM_001358921.2 (MANE Select); 50 bases into the intron before coding-DNA position 254, A replaced by T.
Molecular consequence: intron variant.
Genome position (GRCh38, 1-based): chr4:83,279,164, T>A on the plus strand (A>T on the coding strand, the complement: COQ2 is on the minus strand). VCF-style: chr4-83279164-T-A. GRCh37 (hg19) VCF-style: chr4-84200317-T-A.
Other names: c.404-50A>T (NM_015697.9).
Identifiers: ClinVar variation 674127 (VCV000674127.2), dbSNP rs116687075, ClinGen allele CA2988641.
Genomic context (GRCh38, chr4:83,279,164, plus strand): 5'-AAGCCAGGTTCCTAAGCAAAAATAAAAAGACAAAAAAGGTACAAATTTAAGTCAGTTAAC[T>A]GTTTTCATTTGTTTAAACATCACATACCAAAGAAATAAAGAACACTATAAGTCAAAAAAA-3'

ClinVar aggregate classification (germline): Likely benign. Review status: criteria provided, multiple submitters, no conflicts (2 of 4 stars). 2 submissions from 2 submitters: Likely benign (2). Last evaluated 2018-06-19.

Allele frequency attached by ClinVar (database versions not stated): 1000 Genomes Project 0.00899; gnomAD 0.01565 and 0.01589; ExAC 0.01570; ESP Exome Variant Server 0.01578; gnomAD exomes 0.01608; TOPMed 0.01631.
gnomAD v4.1: 31,129 of 1,490,076 alleles (2.1%); highest among the groups gnomAD compares: Non-Finnish European, 2.4%; 353 homozygotes.

Submissions (2):

GeneDx
Classification: Likely benign. Last evaluated: 2018-06-19. Review status: criteria provided, single submitter. Criteria: GeneDx Variant Classification (06012015). Collection method: clinical testing. Allele origin: germline. Affected: yes.
Comment: This variant is considered likely benign or benign based on one or more of the following criteria: it is a conservative change, it occurs at a poorly conserved position in the protein, it is predicted to be benign by multiple in silico algorithms, and/or has population frequency not consistent with disease.

Breakthrough Genomics
Classification: Likely benign. Review status: criteria provided, single submitter. Criteria: ACMG Guidelines, 2015. Collection method: not provided. Allele origin: germline. Inheritance: Autosomal recessive inheritance. Affected: yes.